The following is an entry in ClinVar:

ClinVar aggregate classification (germline): Uncertain significance. Review status: criteria provided, multiple submitters, no conflicts (2 of 4 stars). 3 submissions from 3 submitters: Uncertain significance (3). Last evaluated 2023-12-15.

Conditions:
Malignant hyperthermia, susceptibility to, 5 (MHS5). Also called: CACNA1S-Related Malignant Hyperthermia Susceptibility. Identifiers: Orphanet 423, MedGen C1866077, MONDO:0011163, OMIM 601887.
Hypokalemic periodic paralysis, type 1. Also called: Hypokalemic Periodic Paralysis Type 1 (AD); HypoPP. Identifiers: Orphanet 681, MedGen C3714580, MONDO:0042979, OMIM 170400.

Allele frequency attached by ClinVar (database versions not stated): gnomAD exomes below 0.00001; TOPMed 0.00002; gnomAD 0.00004 and 0.00005.
gnomAD v4.1: 7 of 1,613,228 alleles (0.00043%); highest among the groups gnomAD compares: African/African-American, 0.0093%; no homozygotes.

Submissions (3):

Labcorp Genetics (formerly Invitae), Labcorp
Classification: Uncertain significance for Hypokalemic periodic paralysis, type 1; Malignant hyperthermia, susceptibility to, 5. Last evaluated: 2023-12-15. Review status: criteria provided, single submitter. Criteria: Invitae Variant Classification Sherloc (09022015). Collection method: clinical testing. Allele origin: germline.
Comment: This sequence change replaces serine, which is neutral and polar, with threonine, which is neutral and polar, at codon 181 of the CACNA1S protein (p.Ser181Thr). This variant is present in population databases (no rsID available, gnomAD 0.01%). This variant has not been reported in the literature in individuals affected with CACNA1S-related conditions. ClinVar contains an entry for this variant (Variation ID: 1315617). An algorithm developed to predict the effect of missense changes on protein structure and function (PolyPhen-2) suggests that this variant is likely to be tolerated. In summary, the available evidence is currently insufficient to determine the role of this variant in disease. Therefore, it has been classified as a Variant of Uncertain Significance.

All of Us Research Program, National Institutes of Health
Classification: Uncertain significance for Malignant hyperthermia, susceptibility to, 5. Last evaluated: 2023-08-15. Review status: criteria provided, single submitter. Criteria: ACMG Guidelines, 2015. Collection method: clinical testing. Allele origin: germline. Inheritance: Autosomal dominant inheritance. Observed: 1 variant allele, 1 heterozygote.
Comment: This missense variant replaces serine with threonine at codon 181 of the CACNA1S protein. Computational prediction suggests that this variant may have deleterious impact on protein structure and function (internally defined REVEL score threshold >= 0.7, PMID: 27666373). To our knowledge, functional studies have not been reported for this variant. This variant has not been reported in individuals affected with CACNA1S-related disorders in the literature. This variant has been identified in 1/31402 chromosomes in the general population by the Genome Aggregation Database (gnomAD). The available evidence is insufficient to determine the role of this variant in disease conclusively. Therefore, this variant is classified as a Variant of Uncertain Significance.

This study involves interpretation of variants in research participants for the purpose of population health screening. Participant phenotype was not available at the time of variant classification. Additional details can be found in publication PMID: 35346344, PMCID: PMC8962531

GeneDx
Classification: Uncertain significance. Last evaluated: 2019-06-12. Review status: criteria provided, single submitter. Criteria: GeneDx Variant Classification Process June 2021. Collection method: clinical testing. Allele origin: germline. Affected: yes.
Comment: Not observed at a significant frequency in large population cohorts (Lek et al., 2016); In silico analysis, which includes protein predictors and evolutionary conservation, supports a deleterious effect; Has not been previously published as pathogenic or benign to our knowledge

NM_000069.3(CACNA1S):c.542G>C (p.Ser181Thr)

Gene: CACNA1S (calcium voltage-gated channel subunit alpha1 S; minus strand). Cytogenetic location: 1q32.1.
Variant type: single nucleotide variant.
Coding change: c.542G>C on transcript NM_000069.3 (MANE Select); coding-DNA position 542, G replaced by C.
Protein change: p.Ser181Thr; replaces serine 181 with threonine.
Molecular consequence: missense variant.
Genome position (GRCh38, 1-based): chr1:201,091,792, C>G on the plus strand (G>C on the coding strand, the complement: CACNA1S is on the minus strand). VCF-style: chr1-201091792-C-G. GRCh37 (hg19) VCF-style: chr1-201060920-C-G.
Other names: short protein forms S181T.
Identifiers: ClinVar variation 1315617 (VCV001315617.6), dbSNP rs1046958622, ClinGen allele CA35996626.